The following is an entry in ClinVar:

ClinVar aggregate classification (germline): Conflicting classifications of pathogenicity. Review status: criteria provided, conflicting classifications (1 of 4 stars). 3 submissions from 3 submitters: Pathogenic (1); Uncertain significance (2). Last evaluated 2025-12-22.

Conditions:
Hereditary hyperekplexia. Identifiers: Orphanet 3197, MedGen C4084968, MONDO:0021022.
Hyperekplexia 1 (STHE). Also called: EXAGGERATED STARTLE REACTION; KOK DISEASE; STARTLE DISEASE, FAMILIAL; STIFF-BABY SYNDROME; STIFF-MAN SYNDROME, CONGENITAL; STIFF-PERSON SYNDROME, CONGENITAL. Identifiers: Orphanet 3197, MedGen C4551954, MONDO:0007868, OMIM 149400.

Allele frequency attached by ClinVar (database versions not stated): gnomAD exomes below 0.00001 and 0.00001; ExAC 0.00001; ESP Exome Variant Server 0.00008.

Submissions (3):

Labcorp Genetics (formerly Invitae), Labcorp
Classification: Pathogenic for Hereditary hyperekplexia. Last evaluated: 2025-12-22. Review status: criteria provided, single submitter. Criteria: Invitae Variant Classification Sherloc (09022015). Collection method: clinical testing. Allele origin: germline.
Comment: This sequence change creates a premature translational stop signal (p.Arg405*) in the GLRA1 gene. While this is not anticipated to result in nonsense mediated decay, it is expected to disrupt the last 45 amino acid(s) of the GLRA1 protein. This variant is present in population databases (rs375152105, gnomAD 0.003%). This variant has not been reported in the literature in individuals affected with GLRA1-related conditions. ClinVar contains an entry for this variant (Variation ID: 1684772). This variant disrupts a region of the GLRA1 protein in which other variant(s) (p.Arg420His) have been determined to be pathogenic (PMID: 12169101, 19732286, 20631190, 25036534; internal data). This suggests that this is a clinically significant region of the protein, and that variants that disrupt it are likely to be disease-causing. For these reasons, this variant has been classified as Pathogenic.

Mendelics
Classification: Uncertain significance. Last evaluated: 2022-05-04. Review status: criteria provided, single submitter. Criteria: Mendelics Assertion Criteria 2019. Collection method: clinical testing. Allele origin: germline.

Neuberg Centre For Genomic Medicine, NCGM
Classification: Uncertain significance for Hyperekplexia 1. Review status: criteria provided, single submitter. Criteria: ACMG Guidelines, 2015. Collection method: clinical testing. Allele origin: germline. Inheritance: Autosomal recessive inheritance. Affected: yes.
Comment: The stop gained variant c.1213C>T p.Arg405Ter in the GLRA1 gene has not been reported previously as a pathogenic variant nor as a benign variant, to our knowledge. This variant is reported with the allele frequency 0.0007% in the gnomAD Exomes. This variant has been reported to the ClinVar database as Uncertain Significance. However, no details are available for independent assessment. This variant is predicted to cause loss of normal protein function through protein truncation. Loss of function variants has been previously reported to be disease causing Bode et al., 2013. However, since this variant is present in the last exon functional studies will be required to prove protein truncation. For these reasons, this variant has been classified as Uncertain Significance.

Literature cited by the submitters: PubMed 12169101 (cited by Labcorp Genetics (formerly Invitae), Labcorp); PubMed 19732286 (cited by Labcorp Genetics (formerly Invitae), Labcorp); PubMed 20631190 (cited by Labcorp Genetics (formerly Invitae), Labcorp); PubMed 25036534 (cited by Labcorp Genetics (formerly Invitae), Labcorp).

NM_000171.4(GLRA1):c.1213C>T (p.Arg405Ter)

Gene: GLRA1 (glycine receptor alpha 1; minus strand). Cytogenetic location: 5q33.1.
Variant type: single nucleotide variant.
Coding change: c.1213C>T on transcript NM_000171.4 (MANE Select); coding-DNA position 1213, C replaced by T.
Protein change: p.Arg405Ter; replaces arginine 405 with a stop codon.
Molecular consequence: nonsense.
Genome position (GRCh38, 1-based): chr5:151,822,810, G>A on the plus strand (C>T on the coding strand, the complement: GLRA1 is on the minus strand). VCF-style: chr5-151822810-G-A. GRCh37 (hg19) VCF-style: chr5-151202371-G-A.
Other names: c.1237C>T, p.Arg413Ter (NM_001146040.2); c.964C>T, p.Arg322Ter (NM_001292000.2); short protein forms R322*, R405*, R413*.
Identifiers: ClinVar variation 1684772 (VCV001684772.3), dbSNP rs375152105, ClinGen allele CA3523481.